The following is an entry in ClinVar:

NM_002184.4(IL6ST):c.269C>T (p.Thr90Ile)

Gene: IL6ST (interleukin 6 cytokine family signal transducer; minus strand). Cytogenetic location: 5q11.2.
Variant type: single nucleotide variant.
Coding change: c.269C>T on transcript NM_002184.4 (MANE Select); coding-DNA position 269, C replaced by T.
Protein change: p.Thr90Ile; replaces threonine 90 with isoleucine.
Molecular consequence: missense variant. On other transcripts: 5 prime UTR variant (3), non-coding transcript variant (2), intron variant (1).
Genome position (GRCh38, 1-based): chr5:55,969,651, G>A on the plus strand (C>T on the coding strand, the complement: IL6ST is on the minus strand). VCF-style: chr5-55969651-G-A. GRCh37 (hg19) VCF-style: chr5-55265479-G-A.
Other names: c.269C>T, p.Thr90Ile (NM_001190981.2, NM_001364275.2, NM_175767.3); c.-524C>T (NM_001364277.2, NM_001364279.2); c.-514C>T (NM_001364278.2); c.160+109C>T (NM_001364276.2); short protein forms T90I.
Identifiers: ClinVar variation 1345169 (VCV001345169.7), dbSNP rs749114378, ClinGen allele CA3271740.

ClinVar aggregate classification (germline): Uncertain significance. Review status: criteria provided, multiple submitters, no conflicts (2 of 4 stars). 2 submissions from 2 submitters: Uncertain significance (2). Last evaluated 2025-12-09.

Allele frequency attached by ClinVar (database versions not stated): gnomAD 0.00003 and 0.00004; ExAC 0.00005; gnomAD exomes 0.00005 and 0.00006; TOPMed 0.00005.
gnomAD v4.1: 90 of 1,611,950 alleles (0.0056%); highest among the groups gnomAD compares: Middle Eastern, 0.3%; no homozygotes.

Submissions (2):

Labcorp Genetics (formerly Invitae), Labcorp
Classification: Uncertain significance. Last evaluated: 2025-12-09. Review status: criteria provided, single submitter. Criteria: Invitae Variant Classification Sherloc (09022015). Collection method: clinical testing. Allele origin: germline.
Comment: This sequence change replaces threonine, which is neutral and polar, with isoleucine, which is neutral and non-polar, at codon 90 of the IL6ST protein (p.Thr90Ile). This variant is present in population databases (rs749114378, gnomAD 0.01%). This variant has not been reported in the literature in individuals affected with IL6ST-related conditions. ClinVar contains an entry for this variant (Variation ID: 1345169). An algorithm developed to predict the effect of missense changes on protein structure and function (PolyPhen-2) suggests that this variant is likely to be disruptive. In summary, the available evidence is currently insufficient to determine the role of this variant in disease. Therefore, it has been classified as a Variant of Uncertain Significance.

Breakthrough Genomics
Classification: Uncertain significance. Review status: criteria provided, single submitter. Criteria: ACMG Guidelines, 2015. Collection method: not provided. Allele origin: germline. Inheritance: Autosomal recessive inheritance. Affected: yes.